The following is an entry in ClinVar:

ClinVar aggregate classification (germline): Conflicting classifications of pathogenicity. Review status: criteria provided, conflicting classifications (1 of 4 stars). 4 submissions from 4 submitters: Uncertain significance (3); Likely benign (1). Last evaluated 2026-05-05.

Conditions:
SOX11-related disorder. Also called: SOX11-related condition.
Inborn genetic diseases. Identifiers: MedGen C0950123, MeSH D030342.
Intellectual developmental disorder with microcephaly and with or without ocular malformations or hypogonadotropic hypogonadism. Also called: Coffin-Siris Syndrome 9; Intellectual disability, autosomal dominant 27. Identifiers: Orphanet 1465, MedGen C4014528, MONDO:0014376, OMIM 615866.

Allele frequency attached by ClinVar (database versions not stated): gnomAD exomes 0.00008; TOPMed 0.00008; gnomAD 0.00011.
gnomAD v4.1: 123 of 1,492,362 alleles (0.0082%); highest among the groups gnomAD compares: Non-Finnish European, 0.0099%; no homozygotes.

Submissions (4):

PreventionGenetics, part of Exact Sciences
Classification: Uncertain significance for SOX11-related condition. Last evaluated: 2026-05-05. Review status: criteria provided, single submitter. Criteria: ACMG Guidelines, 2015. Collection method: clinical testing. Allele origin: germline.
Comment: The SOX11 c.497A>G variant is predicted to result in the amino acid substitution p.Lys166Arg. To our knowledge, this variant has not been reported in the literature. This variant is reported in 0.0076% of alleles in individuals of African descent in gnomAD. At this time, the clinical significance of this variant is uncertain due to the absence of conclusive functional and genetic evidence.

Labcorp Genetics (formerly Invitae), Labcorp
Classification: Uncertain significance. Last evaluated: 2026-01-31. Review status: criteria provided, single submitter. Criteria: Invitae Variant Classification Sherloc (09022015). Collection method: clinical testing. Allele origin: germline.
Comment: This sequence change replaces lysine, which is basic and polar, with arginine, which is basic and polar, at codon 166 of the SOX11 protein (p.Lys166Arg). This variant is present in population databases (rs752975676, gnomAD 0.008%). This variant has not been reported in the literature in individuals affected with SOX11-related conditions. ClinVar contains an entry for this variant (Variation ID: 2167584). Invitae Evidence Modeling of protein sequence and biophysical properties (such as structural, functional, and spatial information, amino acid conservation, physicochemical variation, residue mobility, and thermodynamic stability) indicates that this missense variant is not expected to disrupt SOX11 protein function with a negative predictive value of 95%. In summary, the available evidence is currently insufficient to determine the role of this variant in disease. Therefore, it has been classified as a Variant of Uncertain Significance.

Fulgent Genetics
Classification: Likely benign for Intellectual developmental disorder with microcephaly and with or without ocular malformations or hypogonadotropic hypogonadism. Last evaluated: 2024-05-09. Review status: criteria provided, single submitter. Criteria: ACMG Guidelines, 2015. Collection method: clinical testing. Allele origin: germline.

Ambry Genetics
Classification: Uncertain significance for Inborn genetic diseases. Last evaluated: 2021-08-13. Review status: criteria provided, single submitter. Criteria: Ambry Variant Classification Scheme 2023. Collection method: clinical testing. Allele origin: germline.

NM_003108.4(SOX11):c.497A>G (p.Lys166Arg)

Gene: SOX11 (SRY-box transcription factor 11; plus strand). Cytogenetic location: 2p25.2.
Variant type: single nucleotide variant.
Coding change: c.497A>G on transcript NM_003108.4 (MANE Select); coding-DNA position 497, A replaced by G.
Protein change: p.Lys166Arg; replaces lysine 166 with arginine.
Molecular consequence: missense variant.
Genome position (GRCh38, 1-based): chr2:5,693,218, A>G. VCF-style: chr2-5693218-A-G. GRCh37 (hg19) VCF-style: chr2-5833350-A-G.
Other names: c.497A>G (NM_003108.3); short protein forms K166R.
Identifiers: ClinVar variation 2167584 (VCV002167584.6), dbSNP rs752975676, ClinGen allele CA1517850.
Genomic context (GRCh38, chr2:5,693,218, plus strand): 5'-GCGGCGGGAGCGCGGGCGGAGGCGCGGGCGGTGCCAAGACCTCCAAGGGCTCCAGCAAGA[A>G]ATGCGGCAAGCTCAAGGCCCCCGCGGCCGCGGGCGCCAAGGCGGGCGCGGGCAAGGCGGC-3'
Protein context (NP_003099.1, residues 156-176): GAKTSKGSSK[Lys166Arg]CGKLKAPAAA